The following is an entry in ClinVar:

ClinVar aggregate classification (germline): Uncertain significance (1 of 4 stars; one submission).

Conditions:
Hereditary nonpolyposis colorectal neoplasms. Identifiers: MedGen C0009405, MeSH D003123.

Submission:

Labcorp Genetics (formerly Invitae), Labcorp
Classification: Uncertain significance for Hereditary nonpolyposis colorectal neoplasms. Last evaluated: 2025-11-10. Review status: criteria provided, single submitter. Criteria: Invitae Variant Classification Sherloc (09022015). Collection method: clinical testing. Allele origin: germline.
Comment: This sequence change creates a premature translational stop signal (p.Lys1358Asnfs*28) in the MSH6 gene. While this is not anticipated to result in nonsense mediated decay, it is expected to disrupt the last 4 amino acid(s) of the MSH6 protein. This variant is not present in population databases (gnomAD no frequency). This variant has not been reported in the literature in individuals affected with MSH6-related conditions. ClinVar contains an entry for this variant (Variation ID: 2045138). Experimental studies and prediction algorithms are not available or were not evaluated, and the functional significance of this variant is currently unknown. In summary, the available evidence is currently insufficient to determine the role of this variant in disease. Therefore, it has been classified as a Variant of Uncertain Significance.

NM_000179.3(MSH6):c.4074_*5del (p.Lys1358_Ter1361delinsXaa)

Gene: MSH6 (mutS homolog 6; plus strand). Cytogenetic location: 2p16.3.
Variant type: Deletion.
Coding change: c.4074_*5del on transcript NM_000179.3 (MANE Select); coding-DNA position 4074 through 5 bases downstream of the stop codon, 15 bases deleted (GGAATTATAGACTGA).
Protein change: p.Lys1358_Ter1361delinsXaa.
Molecular consequence: stop lost.
Genome position (GRCh38, 1-based): chr2:47,806,851-47,806,865, GGAATTATAGACTGA deleted; deleting any 15 consecutive bases within chr2:47,806,850-47,806,865 gives the same sequence; the c. name uses the placement nearest the transcript's 3' end. VCF-style (leftmost placement, unchanged base first): chr2-47806849-AAGGAATTATAGACTG-A. GRCh37 (hg19) VCF-style: chr2-48033988-AAGGAATTATAGACTG-A.
Other names: c.3684_*5del, p.Lys1228_Ter1231delinsXaa (NM_001281492.2); c.3168_*5del, p.Lys1056_Ter1059delinsXaa (NM_001281493.2, NM_001281494.2); c.4170_*5delGGAATTATAGACTGA, p.Lys1390_Ter(1393_?)(?) (NM_001406795.1); c.4074_*5delGGAATTATAGACTGA, p.Lys1358_Ter(1361_?)(?) (NM_001406796.1, NM_001406809.1); c.3777_*5delGGAATTATAGACTGA, p.Lys1259_Ter(1262_?)(?) (NM_001406797.1, NM_001406805.1, NM_001406818.1 and 8 more transcripts); c.3900_*5delGGAATTATAGACTGA, p.Lys1300_Ter(1303_?)(?) (NM_001406798.1); c.3549_*5delGGAATTATAGACTGA, p.Lys1183_Ter(1186_?)(?) (NM_001406799.1, NM_001406806.1, NM_001406807.1); c.*95_*109delGGAATTATAGACTGA (NM_001406800.1); and 10 more.
Identifiers: ClinVar variation 2045138 (VCV002045138.4), dbSNP rs2530900403, ClinGen allele CA2576961640.